The following is an entry in ClinVar:

NM_001042492.3(NF1):c.5188A>T (p.Thr1730Ser)

Gene: NF1 (neurofibromin 1; plus strand). Cytogenetic location: 17q11.2.
Variant type: single nucleotide variant.
Coding change: c.5188A>T on transcript NM_001042492.3 (MANE Select); coding-DNA position 5188, A replaced by T.
Protein change: p.Thr1730Ser; replaces threonine 1730 with serine.
Molecular consequence: missense variant.
Genome position (GRCh38, 1-based): chr17:31,326,172, A>T. VCF-style: chr17-31326172-A-T. GRCh37 (hg19) VCF-style: chr17-29653190-A-T.
Other names: c.5125A>T, p.Thr1709Ser (NM_000267.4); short protein forms T1709S, T1730S.
Identifiers: ClinVar variation 5025636 (VCV005025636.1).

ClinVar aggregate classification (germline): Uncertain significance (1 of 4 stars; one submission).

Conditions:
Cardiovascular phenotype. Identifiers: MedGen CN230736.
Hereditary cancer-predisposing syndrome. Also called: Neoplastic Syndromes, Hereditary; Tumor predisposition; Hereditary neoplastic syndrome; Hereditary Cancer Syndrome. Identifiers: Orphanet 140162, MedGen C0027672, MeSH D009386, MONDO:0015356.

Submission:

Ambry Genetics
Classification: Uncertain significance for Cardiovascular phenotype; Hereditary cancer-predisposing syndrome. Last evaluated: 2026-08-24. Review status: criteria provided, single submitter. Criteria: Ambry Variant Classification Scheme 2023. Collection method: clinical testing. Allele origin: germline.
Comment: The p.T1709S variant (also known as c.5125A>T), located in coding exon 36 of the NF1 gene, results from an A to T substitution at nucleotide position 5125. The threonine at codon 1709 is replaced by serine, an amino acid with similar properties. This amino acid position is conserved. In addition, the in silico prediction for this alteration is inconclusive. Based on the available evidence, the clinical significance of this variant remains unclear.